The following is an entry in ClinVar:

NM_006231.4(POLE):c.1924-8C>T

Gene: POLE (DNA polymerase epsilon, catalytic subunit; minus strand). Cytogenetic location: 12q24.33.
Variant type: single nucleotide variant.
Coding change: c.1924-8C>T on transcript NM_006231.4 (MANE Select); 8 bases into the intron before coding-DNA position 1924, C replaced by T.
Molecular consequence: intron variant.
Genome position (GRCh38, 1-based): chr12:132,668,745, G>A on the plus strand (C>T on the coding strand, the complement: POLE is on the minus strand). VCF-style: chr12-132668745-G-A. GRCh37 (hg19) VCF-style: chr12-133245331-G-A.
Identifiers: ClinVar variation 511593 (VCV000511593.1), dbSNP rs530352468, ClinGen allele CA6893758.

ClinVar aggregate classification (germline): Likely benign (1 of 4 stars; one submission).

Allele frequency attached by ClinVar (database versions not stated): gnomAD exomes below 0.00001 and 0.00001; ExAC 0.00001; gnomAD 0.00001; 1000 Genomes Project 0.00020; 1000 Genomes Project 30x 0.00031.
gnomAD v4.1: 3 of 1,613,750 alleles (0.00019%); highest among the groups gnomAD compares: East Asian, 0.0067%; no homozygotes.

Submission:

GeneDx
Classification: Likely benign. Last evaluated: 2017-08-17. Review status: criteria provided, single submitter. Criteria: GeneDx Variant Classification (06012015). Collection method: clinical testing. Allele origin: germline. Affected: yes.
Comment: This variant is considered likely benign or benign based on one or more of the following criteria: it is a conservative change, it occurs at a poorly conserved position in the protein, it is predicted to be benign by multiple in silico algorithms, and/or has population frequency not consistent with disease.